The following is an entry in ClinVar:

NM_005654.6(NR2F1):c.452T>C (p.Met151Thr)

Genes: NR2F1 (nuclear receptor subfamily 2 group F member 1; plus strand), NR2F1-AS1 (NR2F1 regulatory antisense RNA 1; minus strand). Cytogenetic location: 5q15.
Variant type: single nucleotide variant.
Coding change: c.452T>C on transcript NM_005654.6 (MANE Select); coding-DNA position 452, T replaced by C.
Protein change: p.Met151Thr; replaces methionine 151 with threonine.
Molecular consequence: missense variant.
Genome position (GRCh38, 1-based): chr5:93,585,475, T>C. VCF-style: chr5-93585475-T-C. GRCh37 (hg19) VCF-style: chr5-92921181-T-C.
Other names: c.452T>C (NM_005654.4); short protein forms M151T.
Identifiers: ClinVar variation 813799 (VCV000813799.2), dbSNP rs2480802519, ClinGen allele CA360526324.

ClinVar aggregate classification (germline): Likely pathogenic. Review status: criteria provided, multiple submitters, no conflicts (2 of 4 stars). 2 submissions from 2 submitters: Likely pathogenic (2). Last evaluated 2025-01-14.

Conditions:
Bosch-Boonstra-Schaaf optic atrophy syndrome (BBSOAS). Also called: NR2F1-Related Neurodevelopmental Disorder. Identifiers: Orphanet 401777, MedGen C3810363, MONDO:0014320, OMIM 615722.

Submissions (2):

GeneDx
Classification: Likely pathogenic. Last evaluated: 2025-01-14. Review status: criteria provided, single submitter. Criteria: GeneDx Variant Classification Process June 2021. Collection method: clinical testing. Allele origin: germline. Affected: yes.
Comment: Reported in an individual with Bosch-Boonstra-Schaaf optic atrophy syndrome in the published literature; however, further clinical details were not provided (PMID: 34837429); Not observed at significant frequency in large population cohorts (gnomAD); In silico analysis supports that this missense variant has a deleterious effect on protein structure/function; This variant is associated with the following publications: (PMID: 26986877, 34837429)

Cytogénomique, Hospices Civils de Lyon
Classification: Likely pathogenic for Bosch-Boonstra-Schaaf optic atrophy syndrome. Last evaluated: 2018-07-19. Review status: criteria provided, single submitter. Criteria: ACMG Guidelines, 2015. Collection method: clinical testing. Allele origin: de novo. Inheritance: Autosomal dominant inheritance. Affected: yes.